The following is an entry in ClinVar:

NM_003072.5(SMARCA4):c.3382+9G>A

Gene: SMARCA4 (SWI/SNF related BAF chromatin remodeling complex subunit ATPase 4; plus strand). Cytogenetic location: 19p13.2.
Variant type: single nucleotide variant.
Coding change: c.3382+9G>A on transcript NM_003072.5 (MANE Select); 9 bases into the intron after coding-DNA position 3382, G replaced by A.
Molecular consequence: intron variant.
Genome position (GRCh38, 1-based): chr19:11,027,959, G>A. VCF-style: chr19-11027959-G-A. GRCh37 (hg19) VCF-style: chr19-11138635-G-A.
Other names: c.3382+9G>A (NM_001128844.3, NM_001128849.3, NM_001128847.4 and 4 more transcripts).
Identifiers: ClinVar variation 706207 (VCV000706207.11), dbSNP rs1031818120, ClinGen allele CA305279073.
Genomic context (GRCh38, chr19:11,027,959, plus strand): 5'-ATCATGGAAGATTACTTTGCGTATCGCGGCTTTAAATACCTCAGGCTTGATGGTGAGTAT[G>A]AGCCAGTGAGGCGTTTCTTACAGGGTTTTGTTGTTGTGGCTGCCACAGAAGCTCCTCACT-3'

ClinVar aggregate classification (germline): Likely benign. Review status: criteria provided, multiple submitters, no conflicts (2 of 4 stars). 3 submissions from 3 submitters: Likely benign (3). Last evaluated 2026-07-07.

Conditions:
Rhabdoid tumor predisposition syndrome 2 (RTPS2). Identifiers: Orphanet 231108, Orphanet 69077, MedGen C2750074, MONDO:0013224, OMIM 613325.

Allele frequency attached by ClinVar (database versions not stated): gnomAD exomes 0.00001 and below 0.00001.
gnomAD v4.1: 9 of 1,613,844 alleles (0.00056%); highest among the groups gnomAD compares: Non-Finnish European, 0.00076%; no homozygotes.

Submissions (3):

Myriad Genetics, Inc.
Classification: Likely benign for Rhabdoid tumor predisposition syndrome 2. Last evaluated: 2026-07-07. Review status: criteria provided, single submitter. Criteria: Myriad Autosomal Dominant, Autosomal Recessive and X-Linked Classification Criteria (2023). Collection method: clinical testing. Allele origin: unknown.
Comment: This variant is considered likely benign. This variant is intronic and is not expected to impact mRNA splicing.

Quest Diagnostics Nichols Institute San Juan Capistrano
Classification: Likely benign. Last evaluated: 2025-02-17. Review status: criteria provided, single submitter. Criteria: Quest Diagnostics criteria. Collection method: clinical testing. Allele origin: unknown.

Labcorp Genetics (formerly Invitae), Labcorp
Classification: Likely benign for Rhabdoid tumor predisposition syndrome 2. Last evaluated: 2024-08-19. Review status: criteria provided, single submitter. Criteria: Invitae Variant Classification Sherloc (09022015). Collection method: clinical testing. Allele origin: germline.